The following is an entry in ClinVar:

ClinVar aggregate classification (germline): Conflicting classifications of pathogenicity. Review status: criteria provided, conflicting classifications (1 of 4 stars). 7 submissions from 7 submitters: Uncertain significance (4); Likely benign (2). 1 of the submissions does not count toward it. Last evaluated 2026-02-11.

Conditions:
Baller-Gerold syndrome (BGS). Also called: CRANIOSYNOSTOSIS WITH RADIAL DEFECTS. Identifiers: Orphanet 1225, MedGen C0265308, MONDO:0009039, OMIM 218600.
RECQL4-related disorder. Also called: RECQL4-related condition; RECQL4-related disorders.
Rothmund-Thomson syndrome type 2 (RTS2). Identifiers: Orphanet 221016, MedGen C5203410, MONDO:0016369, OMIM 268400.
Hereditary cancer-predisposing syndrome. Also called: Neoplastic Syndromes, Hereditary; Hereditary Cancer Syndrome; Tumor predisposition; Hereditary neoplastic syndrome. Identifiers: Orphanet 140162, MedGen C0027672, MeSH D009386, MONDO:0015356.

Allele frequency attached by ClinVar (database versions not stated): ESP Exome Variant Server 0.00047; 1000 Genomes Project 0.00060; 1000 Genomes Project 30x 0.00062; TOPMed 0.00068; gnomAD 0.00076.
gnomAD v4.1: 1,426 of 1,612,340 alleles (0.088%); highest among the groups gnomAD compares: Non-Finnish European, 0.11%; 1 homozygote.

Submissions (7):

St. Jude Molecular Pathology, St. Jude Children's Research Hospital
Classification: Uncertain significance for Rothmund-Thomson syndrome type 2. Last evaluated: 2026-02-11. Review status: criteria provided, single submitter. Criteria: St. Jude Assertion Criteria 2020. Collection method: clinical testing. Allele origin: germline.
Comment: The RECQL4 c.3623C>T (p.Arg1208Cys) missense change has a maximum subpopulation frequency of 0.11% in gnomAD v2.1.1. In silico tools are inconclusive about a pathogenic or benign effect of this variant on protein function, and to our knowledge functional studies have not been performed. To our knowledge, this variant has not been reported in individuals with RECQL4-associated conditions. In summary, the evidence currently available is insufficient to determine the clinical significance of this variant. It has therefore been classified as of uncertain significance.

Labcorp Genetics (formerly Invitae), Labcorp
Classification: Likely benign for Baller-Gerold syndrome. Last evaluated: 2026-01-27. Review status: criteria provided, single submitter. Criteria: Invitae Variant Classification Sherloc (09022015). Collection method: clinical testing. Allele origin: germline.

Blueprint Genetics
Classification: Likely benign. Last evaluated: 2024-11-23. Review status: criteria provided, single submitter. Criteria: ACMG Guidelines, 2015. Collection method: clinical testing. Allele origin: germline.

GeneDx
Classification: Uncertain significance. Last evaluated: 2022-11-16. Review status: criteria provided, single submitter. Criteria: GeneDx Variant Classification Process June 2021. Collection method: clinical testing. Allele origin: germline. Affected: yes.
Comment: Identified in the heterozygous state in a family with central serous chorioretinopathy; however, multiple variants in other genes were also found to segregate with disease in this family (Schellevis 2019); In silico analysis supports that this missense variant has a deleterious effect on protein structure/function; This variant is associated with the following publications: (PMID: 30724488)

Sema4
Classification: Uncertain significance for Hereditary cancer-predisposing syndrome. Last evaluated: 2022-01-12. Review status: criteria provided, single submitter. Criteria: Sema4 Curation Guidelines. Collection method: curation. Allele origin: germline.
Comment: The RECQL4 c.3622C>T (p.R1208C) variant has been reported in at least 1 individual with advanced cancer (cancer type unknown) (PMID 28873162) and 1 individual with serous chorioretinopathy (PMID 30724488). It was observed in 138/127350 chromosomes of the Non-Finnish European subpopulation, with no homozygotes, in the large and broad cohorts of the Genome Aggregation Database (PMID: 32461654). This variant has been reported in ClinVar (Variation ID 239771). Functional studies have not been performed and in silico predictions of the variant's effect on protein function are inconclusive. The overall evidence is insufficient to meet ACMG/AMP criteria for classifying it as benign or pathogenic. In summary, the clinical significance of this variant is currently uncertain.

Institute for Clinical Genetics, University Hospital TU Dresden, University Hospital TU Dresden
Classification: Uncertain significance. Last evaluated: 2021-11-03. Review status: criteria provided, single submitter. Criteria: ACMG Guidelines, 2015. Collection method: clinical testing. Allele origin: germline.

PreventionGenetics, part of Exact Sciences
Classification: Uncertain significance for RECQL4-related condition. Last evaluated: 2024-01-24. Review status: no assertion criteria provided. Collection method: clinical testing. Allele origin: germline. Not counted in ClinVar's aggregate classification.
Comment: The RECQL4 c.3622C>T variant is predicted to result in the amino acid substitution p.Arg1208Cys. This variant has been reported in a cohort of patients with advanced cancer (eTable, Mandelker et al. 2017. PubMed ID: 28873162). This variant has been reported in a family with central serous chorioretinopathy; however variants in other genes were also found in this family (Schellevis et al. 2019. PubMed ID: 30724488). This variant is reported in 0.11% of alleles in individuals of European (Non-Finnish) descent in gnomAD. In ClinVar, this variant has conflicting interpretations of likely benign and uncertain significance. Although we suspect that this variant may be benign, at this time, the clinical significance of this variant is uncertain due to the absence of conclusive functional and genetic evidence.

Literature cited by the submitters: PubMed 28873162 (cited by Sema4); PubMed 30724488 (cited by Sema4).

NM_004260.4(RECQL4):c.3622C>T (p.Arg1208Cys)

Gene: RECQL4 (RecQ like helicase 4; minus strand). Cytogenetic location: 8q24.3.
Variant type: single nucleotide variant.
Coding change: c.3622C>T on transcript NM_004260.4 (MANE Select); coding-DNA position 3622, C replaced by T.
Protein change: p.Arg1208Cys; replaces arginine 1208 with cysteine.
Molecular consequence: missense variant.
Genome position (GRCh38, 1-based): chr8:144,511,436, G>A on the plus strand (C>T on the coding strand, the complement: RECQL4 is on the minus strand). VCF-style: chr8-144511436-G-A. GRCh37 (hg19) VCF-style: chr8-145736819-G-A.
Other names: short protein forms R1208C.
Identifiers: ClinVar variation 239771 (VCV000239771.35), dbSNP rs41555416, ClinGen allele CA4947621.